The following is an entry in ClinVar:

ClinVar aggregate classification (germline): Likely pathogenic. Review status: criteria provided, multiple submitters, no conflicts (2 of 4 stars). 2 submissions from 2 submitters: Likely pathogenic (2). Last evaluated 2024-03-20.

Conditions:
Chuvash polycythemia. Also called: POLYCYTHEMIA, VHL-DEPENDENT. Identifiers: Orphanet 238557, MedGen C1837915, MONDO:0009892, OMIM 263400.
Von Hippel-Lindau syndrome (VHLS). Also called: Von Hippel-Lindau; von Hippel–Lindau syndrome; VHL syndrome. Identifiers: Orphanet 892, MedGen C0019562, MONDO:0008667, OMIM 193300. Disease mechanism: loss of function.

Submissions (2):

Labcorp Genetics (formerly Invitae), Labcorp
Classification: Likely pathogenic for Von Hippel-Lindau syndrome; Chuvash polycythemia. Last evaluated: 2024-03-20. Review status: criteria provided, single submitter. Criteria: Invitae Variant Classification Sherloc (09022015). Collection method: clinical testing. Allele origin: germline.
Comment: This sequence change replaces asparagine, which is neutral and polar, with tyrosine, which is neutral and polar, at codon 131 of the VHL protein (p.Asn131Tyr). This variant is not present in population databases (gnomAD no frequency). This missense change has been observed in individual(s) with von Hippel-Lindau syndrome (Invitae). ClinVar contains an entry for this variant (Variation ID: 1522394). Advanced modeling of protein sequence and biophysical properties (such as structural, functional, and spatial information, amino acid conservation, physicochemical variation, residue mobility, and thermodynamic stability) performed at Invitae indicates that this missense variant is expected to disrupt VHL protein function with a positive predictive value of 95%. This variant disrupts the p.Asn131 amino acid residue in VHL. Other variant(s) that disrupt this residue have been observed in individuals with VHL-related conditions (PMID: 10761708, 17001110, 21384277, 27527340), which suggests that this may be a clinically significant amino acid residue. In summary, the currently available evidence indicates that the variant is pathogenic, but additional data are needed to prove that conclusively. Therefore, this variant has been classified as Likely Pathogenic.

Institute for Genomic Medicine (IGM) Clinical Laboratory, Nationwide Children's Hospital
Classification: Likely pathogenic for Von Hippel-Lindau syndrome. Last evaluated: 2023-06-01. Review status: criteria provided, single submitter. Criteria: ACMG Guidelines, 2015. Collection method: clinical testing. Allele origin: germline.
Comment: This variant has been reported at an elevated frequency in affected individuals/in multiple affected individuals in the literature (ACMG/AMP: PS4_Supporting). This variant is absent from or present at an exceedingly low frequency in gnomAD, a large-scale control population database (ACMG/AMP: PM2). A different substitution at this amino acid position has been reported as pathogenic (ACMG/AMP: PM5; PMIDs:10761708, 17001110, 21384277, 27527340). This variant is predicted to alter protein function or structure, or disrupt splicing by multiple in silico tools (ACMG/AMP: PP3). This variant is in a gene that is highly specific for a disease with a single genetic etiology (ACMG/AMP: PP4).

Literature cited by the submitters: PubMed 10761708 (cited by Labcorp Genetics (formerly Invitae), Labcorp and Institute for Genomic Medicine (IGM) Clinical Laboratory, Nationwide Children's Hospital); PubMed 17001110 (cited by Labcorp Genetics (formerly Invitae), Labcorp and Institute for Genomic Medicine (IGM) Clinical Laboratory, Nationwide Children's Hospital); PubMed 21384277 (cited by Labcorp Genetics (formerly Invitae), Labcorp and Institute for Genomic Medicine (IGM) Clinical Laboratory, Nationwide Children's Hospital); PubMed 27527340 (cited by Labcorp Genetics (formerly Invitae), Labcorp and Institute for Genomic Medicine (IGM) Clinical Laboratory, Nationwide Children's Hospital).

NM_000551.4(VHL):c.391A>T (p.Asn131Tyr)

Genes: VHL (von Hippel-Lindau tumor suppressor; plus strand), LOC107303340 (3p25 von Hippel-Lindau tumor suppressor, E3 ubiquitin protein ligase Alu-mediated recombination region; plus strand). Cytogenetic location: 3p25.3.
Variant type: single nucleotide variant.
Coding change: c.391A>T on transcript NM_000551.4 (MANE Select); coding-DNA position 391, A replaced by T.
Protein change: p.Asn131Tyr; replaces asparagine 131 with tyrosine.
Molecular consequence: missense variant. On other transcripts: intron variant (2).
Genome position (GRCh38, 1-based): chr3:10,146,564, A>T. VCF-style: chr3-10146564-A-T. GRCh37 (hg19) VCF-style: chr3-10188248-A-T.
Other names: c.*18-3223A>T (NM_001354723.2); c.341-3223A>T (NM_198156.3); short protein forms N131Y.
Identifiers: ClinVar variation 1522394 (VCV001522394.7), dbSNP rs2125128340, ClinGen allele CA351753934.